The following is an entry in ClinVar:

NM_001040108.2(MLH3):c.2680A>G (p.Ser894Gly)

Gene: MLH3 (mutL homolog 3; minus strand). Cytogenetic location: 14q24.3.
Variant type: single nucleotide variant.
Coding change: c.2680A>G on transcript NM_001040108.2 (MANE Select); coding-DNA position 2680, A replaced by G.
Protein change: p.Ser894Gly; replaces serine 894 with glycine.
Molecular consequence: missense variant.
Genome position (GRCh38, 1-based): chr14:75,046,976, T>C on the plus strand (A>G on the coding strand, the complement: MLH3 is on the minus strand). VCF-style: chr14-75046976-T-C. GRCh37 (hg19) VCF-style: chr14-75513679-T-C.
Other names: c.2680A>G (NM_001040108.1); c.2680A>G, p.Ser894Gly (NM_014381.3); short protein forms S894G.
Identifiers: ClinVar variation 1461488 (VCV001461488.9), dbSNP rs141067131, ClinGen allele CA390439072.
Genomic context (GRCh38, chr14:75,046,976, plus strand): 5'-CACTGCACAACTTGCTGTCTTTCCTACTGGAATCTGAATTTGGAAGTTCATTAAAACGAC[T>C]CATCATCCCCATTGTTTGAGTTTCTCTTTCGGAACCCTTCAGTCTGGATAATTTAGAGGC-3'
Protein context (NP_001035197.1, residues 884-904): ERETQTMGMM[Ser894Gly]RFNELPNSDS

ClinVar aggregate classification (germline): Uncertain significance. Review status: criteria provided, multiple submitters, no conflicts (2 of 4 stars). 2 submissions from 2 submitters: Uncertain significance (2). Last evaluated 2025-05-20.

Conditions:
Colorectal cancer, hereditary nonpolyposis, type 7. Identifiers: Orphanet 144, MedGen C1858380, MONDO:0013725, OMIM 614385.

gnomAD v4.1: 4 of 1,614,200 alleles (0.00025%); highest among the groups gnomAD compares: Non-Finnish European, 0.00025%; no homozygotes.

Submissions (2):

Ambry Genetics
Classification: Uncertain significance. Last evaluated: 2025-05-20. Review status: criteria provided, single submitter. Criteria: Ambry Variant Classification Scheme 2023. Collection method: clinical testing. Allele origin: germline.
Comment: The p.S894G variant (also known as c.2680A>G), located in coding exon 1 of the MLH3 gene, results from an A to G substitution at nucleotide position 2680. The serine at codon 894 is replaced by glycine, an amino acid with similar properties. This amino acid position is conserved. In addition, this alteration is predicted to be tolerated by in silico analysis. Since supporting evidence is limited at this time, the clinical significance of this alteration remains unclear.

Labcorp Genetics (formerly Invitae), Labcorp
Classification: Uncertain significance for Colorectal cancer, hereditary nonpolyposis, type 7. Last evaluated: 2022-02-18. Review status: criteria provided, single submitter. Criteria: Invitae Variant Classification Sherloc (09022015). Collection method: clinical testing. Allele origin: germline.
Comment: In summary, the available evidence is currently insufficient to determine the role of this variant in disease. Therefore, it has been classified as a Variant of Uncertain Significance. Algorithms developed to predict the effect of missense changes on protein structure and function output the following: SIFT: "Tolerated"; PolyPhen-2: "Benign"; Align-GVGD: "Class C0". The glycine amino acid residue is found in multiple mammalian species, which suggests that this missense change does not adversely affect protein function. This variant has not been reported in the literature in individuals affected with MLH3-related conditions. This variant is not present in population databases (gnomAD no frequency). This sequence change replaces serine, which is neutral and polar, with glycine, which is neutral and non-polar, at codon 894 of the MLH3 protein (p.Ser894Gly).